The following is an entry in ClinVar:

NM_004380.3(CREBBP):c.1157G>A (p.Arg386Gln)

Gene: CREBBP (CREB binding lysine acetyltransferase; minus strand). Cytogenetic location: 16p13.3.
Variant type: single nucleotide variant.
Coding change: c.1157G>A on transcript NM_004380.3 (MANE Select); coding-DNA position 1157, G replaced by A.
Protein change: p.Arg386Gln; replaces arginine 386 with glutamine.
Molecular consequence: missense variant.
Genome position (GRCh38, 1-based): chr16:3,793,445, C>T on the plus strand (G>A on the coding strand, the complement: CREBBP is on the minus strand). VCF-style: chr16-3793445-C-T. GRCh37 (hg19) VCF-style: chr16-3843446-C-T.
Other names: c.1157G>A, p.Arg386Gln (NM_001079846.1); short protein forms R386Q.
Identifiers: ClinVar variation 2154233 (VCV002154233.4), dbSNP rs200933101, ClinGen allele CA7870504.

ClinVar aggregate classification (germline): Uncertain significance (1 of 4 stars; one submission).

Conditions:
Rubinstein-Taybi syndrome (RSTS). Identifiers: Orphanet 783, MedGen C0035934, MONDO:0019188.

Allele frequency attached by ClinVar (database versions not stated): gnomAD exomes below 0.00001; ExAC 0.00001; gnomAD 0.00001; 1000 Genomes Project 30x 0.00016; 1000 Genomes Project 0.00020.
gnomAD v4.1: 5 of 1,614,088 alleles (0.00031%); highest among the groups gnomAD compares: Admixed American, 0.0017%; no homozygotes.

Submission:

Labcorp Genetics (formerly Invitae), Labcorp
Classification: Uncertain significance for Rubinstein-Taybi syndrome. Last evaluated: 2025-08-21. Review status: criteria provided, single submitter. Criteria: Invitae Variant Classification Sherloc (09022015). Collection method: clinical testing. Allele origin: germline.
Comment: This sequence change replaces arginine, which is basic and polar, with glutamine, which is neutral and polar, at codon 386 of the CREBBP protein (p.Arg386Gln). This variant is present in population databases (rs200933101, gnomAD 0.003%). This variant has not been reported in the literature in individuals affected with CREBBP-related conditions. ClinVar contains an entry for this variant (Variation ID: 2154233). Invitae Evidence Modeling of protein sequence and biophysical properties (such as structural, functional, and spatial information, amino acid conservation, physicochemical variation, residue mobility, and thermodynamic stability) has been performed for this missense variant. However, the output from this modeling did not meet the statistical confidence thresholds required to predict the impact of this variant on CREBBP protein function. In summary, the available evidence is currently insufficient to determine the role of this variant in disease. Therefore, it has been classified as a Variant of Uncertain Significance.